The following is an entry in ClinVar:

ClinVar aggregate classification (germline): Conflicting classifications of pathogenicity. Review status: criteria provided, conflicting classifications (1 of 4 stars). 2 submissions from 2 submitters: Uncertain significance (1); Likely benign (1). Last evaluated 2026-07-01.

Conditions:
MHC class I deficiency. Identifiers: Orphanet 34592, MedGen C6024714, MONDO:0011476.

Allele frequency attached by ClinVar (database versions not stated): TOPMed 0.00001; gnomAD 0.00002; ExAC 0.00003; gnomAD exomes 0.00001.
gnomAD v4.1: 43 of 1,612,950 alleles (0.0027%); highest among the groups gnomAD compares: Admixed American, 0.005%; no homozygotes.

Submissions (2):

CeGaT Center for Human Genetics Tuebingen
Classification: Likely benign. Last evaluated: 2026-07-01. Review status: criteria provided, single submitter. Criteria: CeGaT Center For Human Genetics Tuebingen Variant Classification Criteria Version 2. Collection method: clinical testing. Allele origin: germline. Affected: yes. Observed: 1 variant allele.
Comment: TAP1: BP4

Labcorp Genetics (formerly Invitae), Labcorp
Classification: Uncertain significance for MHC class I deficiency 1. Last evaluated: 2022-05-20. Review status: criteria provided, single submitter. Criteria: Invitae Variant Classification Sherloc (09022015). Collection method: clinical testing. Allele origin: germline.
Comment: In summary, the available evidence is currently insufficient to determine the role of this variant in disease. Therefore, it has been classified as a Variant of Uncertain Significance. ClinVar contains an entry for this variant (Variation ID: 936651). This sequence change replaces alanine, which is neutral and non-polar, with threonine, which is neutral and polar, at codon 779 of the TAP1 protein (p.Ala779Thr). This variant is present in population databases (rs771945026, gnomAD 0.006%). This variant has not been reported in the literature in individuals affected with TAP1-related conditions. Algorithms developed to predict the effect of missense changes on protein structure and function output the following: SIFT: "Tolerated"; PolyPhen-2: "Benign"; Align-GVGD: "Class C0". The threonine amino acid residue is found in multiple mammalian species, which suggests that this missense change does not adversely affect protein function.

NM_000593.6(TAP1):c.2155G>A (p.Ala719Thr)

Genes: PSMB8-AS1 (PSMB8 antisense RNA 1; plus strand), TAP1 (transporter 1, ATP binding cassette subfamily B member; minus strand). Cytogenetic location: 6p21.32.
Variant type: single nucleotide variant.
Coding change: c.2155G>A on transcript NM_000593.6 (MANE Select); coding-DNA position 2155, G replaced by A.
Protein change: p.Ala719Thr; replaces alanine 719 with threonine.
Molecular consequence: missense variant. On other transcripts: non-coding transcript variant (4).
Genome position (GRCh38, 1-based): chr6:32,845,671, C>T on the plus strand (G>A on the coding strand, the complement: TAP1 is on the minus strand). VCF-style: chr6-32845671-C-T. GRCh37 (hg19) VCF-style: chr6-32813448-C-T.
Other names: c.1552G>A, p.Ala518Thr (NM_001292022.2); short protein forms A719T, A518T.
Identifiers: ClinVar variation 936651 (VCV000936651.10), dbSNP rs771945026, ClinGen allele CA3746569.